The following is an entry in ClinVar:

NM_001128431.4(SLC39A14):c.382C>T (p.Arg128Trp)

Gene: SLC39A14 (solute carrier family 39 member 14; plus strand). Cytogenetic location: 8p21.3.
Variant type: single nucleotide variant.
Coding change: c.382C>T on transcript NM_001128431.4 (MANE Select); coding-DNA position 382, C replaced by T.
Protein change: p.Arg128Trp; replaces arginine 128 with tryptophan.
Molecular consequence: missense variant.
Genome position (GRCh38, 1-based): chr8:22,408,421, C>T. VCF-style: chr8-22408421-C-T. GRCh37 (hg19) VCF-style: chr8-22265934-C-T.
Other names: c.382C>T, p.Arg128Trp (NM_001135153.3, NM_001135154.3, NM_001351655.2 and 3 more transcripts); c.412C>T, p.Arg138Trp (NM_001351657.2, NM_001351658.2, NM_001351659.2); short protein forms R128W, R138W.
Identifiers: ClinVar variation 985470 (VCV000985470.6), dbSNP rs1291490743, ClinGen allele CA370523622.

ClinVar aggregate classification (germline): Conflicting classifications of pathogenicity. Review status: criteria provided, conflicting classifications (1 of 4 stars). 4 submissions from 4 submitters: Likely pathogenic (2); Uncertain significance (1). 1 of the submissions does not count toward it. Last evaluated 2025-07-20.

Conditions:
SLC39A14-related disorder. Also called: SLC39A14-related condition.
Hypermanganesemia with dystonia 2 (HMNDYT2). Also called: SLC39A14 Deficiency. Identifiers: Orphanet 521406, MedGen C4310765, MONDO:0014864, OMIM 617013.
Inborn genetic diseases. Identifiers: MedGen C0950123, MeSH D030342.

Allele frequency attached by ClinVar (database versions not stated): gnomAD exomes below 0.00001; TOPMed below 0.00001; gnomAD 0.00001.
gnomAD v4.1: 9 of 1,614,096 alleles (0.00056%); highest among the groups gnomAD compares: African/African-American, 0.004%; no homozygotes.

Submissions (4):

Labcorp Genetics (formerly Invitae), Labcorp
Classification: Uncertain significance. Last evaluated: 2025-07-20. Review status: criteria provided, single submitter. Criteria: Invitae Variant Classification Sherloc (09022015). Collection method: clinical testing. Allele origin: germline.
Comment: This sequence change replaces arginine, which is basic and polar, with tryptophan, which is neutral and slightly polar, at codon 128 of the SLC39A14 protein (p.Arg128Trp). This variant is present in population databases (no rsID available, gnomAD 0.01%). This missense change has been observed in individual(s) with hypermanganesemia with dystonia (PMID: 29498153). ClinVar contains an entry for this variant (Variation ID: 985470). Invitae Evidence Modeling of protein sequence and biophysical properties (such as structural, functional, and spatial information, amino acid conservation, physicochemical variation, residue mobility, and thermodynamic stability) has been performed for this missense variant. However, the output from this modeling did not meet the statistical confidence thresholds required to predict the impact of this variant on SLC39A14 protein function. In summary, the available evidence is currently insufficient to determine the role of this variant in disease. Therefore, it has been classified as a Variant of Uncertain Significance.

Blueprint Genetics
Classification: Likely pathogenic for SLC39A14-related disorders. Last evaluated: 2024-09-20. Review status: criteria provided, single submitter. Criteria: ACMG Guidelines, 2015. Collection method: clinical testing. Allele origin: germline. Affected: yes. Observed: 1 variant allele.

Ambry Genetics
Classification: Likely pathogenic for Inborn genetic diseases. Last evaluated: 2018-06-12. Review status: criteria provided, single submitter. Criteria: Ambry exome assertion method (8-5-2015). Collection method: clinical testing. Allele origin: germline. Affected: yes. Observed: 1 variant allele.

OMIM
Classification: Pathogenic for HYPERMANGANESEMIA WITH DYSTONIA 2. Last evaluated: 2022-01-18. Review status: no assertion criteria provided. Collection method: literature only. Allele origin: germline. Not counted in ClinVar's aggregate classification.

Literature cited by the submitters: PubMed 29498153 (cited by 3 submitters).